The following is an entry in ClinVar:

NM_021005.4(NR2F2):c.931G>C (p.Glu311Gln)

Gene: NR2F2 (nuclear receptor subfamily 2 group F member 2; plus strand). Cytogenetic location: 15q26.2.
Variant type: single nucleotide variant.
Coding change: c.931G>C on transcript NM_021005.4 (MANE Select); coding-DNA position 931, G replaced by C.
Protein change: p.Glu311Gln; replaces glutamic acid 311 with glutamine.
Molecular consequence: missense variant.
Genome position (GRCh38, 1-based): chr15:96,334,564, G>C. VCF-style: chr15-96334564-G-C. GRCh37 (hg19) VCF-style: chr15-96877793-G-C.
Other names: c.532G>C, p.Glu178Gln (NM_001145155.2); c.472G>C, p.Glu158Gln (NM_001145156.1, NM_001145157.2); short protein forms E158Q, E178Q, E311Q.
Identifiers: ClinVar variation 3235745 (VCV003235745.1), dbSNP rs2505775271, ClinGen allele CA393931494.

ClinVar aggregate classification (germline): Uncertain significance (1 of 4 stars; one submission).

Submission:

Greenwood Genetic Center Diagnostic Laboratories, Greenwood Genetic Center
Classification: Uncertain significance. Last evaluated: 2024-01-05. Review status: criteria provided, single submitter. Criteria: ACMG Guidelines, 2015. Collection method: clinical testing. Allele origin: germline. Affected: yes.
Comment: PM2, PP2, PP3